The following is an entry in ClinVar:

NM_006662.3(SRCAP):c.5690G>T (p.Arg1897Leu)

Gene: SRCAP (Snf2 related CREBBP activator protein; plus strand). Cytogenetic location: 16p11.2.
Variant type: single nucleotide variant.
Coding change: c.5690G>T on transcript NM_006662.3 (MANE Select); coding-DNA position 5690, G replaced by T.
Protein change: p.Arg1897Leu; replaces arginine 1897 with leucine.
Molecular consequence: missense variant.
Genome position (GRCh38, 1-based): chr16:30,728,997, G>T. VCF-style: chr16-30728997-G-T. GRCh37 (hg19) VCF-style: chr16-30740318-G-T.
Other names: short protein forms R1897L.
Identifiers: ClinVar variation 2662751 (VCV002662751.1), dbSNP rs771108308, ClinGen allele CA395621130.

ClinVar aggregate classification (germline): Uncertain significance (1 of 4 stars; one submission).

Submission:

GeneDx
Classification: Uncertain significance. Last evaluated: 2023-04-18. Review status: criteria provided, single submitter. Criteria: GeneDx Variant Classification Process June 2021. Collection method: clinical testing. Allele origin: germline. Affected: yes.
Comment: Not observed at significant frequency in large population cohorts (gnomAD); In silico analysis supports that this missense variant has a deleterious effect on protein structure/function; Has not been previously published as pathogenic or benign to our knowledge